The following is an entry in ClinVar:

ClinVar aggregate classification (germline): Pathogenic (1 of 4 stars; one submission).

Conditions:
Hereditary cancer-predisposing syndrome. Also called: Hereditary neoplastic syndrome; Hereditary Cancer Syndrome; Neoplastic Syndromes, Hereditary; Tumor predisposition. Identifiers: Orphanet 140162, MedGen C0027672, MeSH D009386, MONDO:0015356.

Submission:

Ambry Genetics
Classification: Pathogenic for Hereditary cancer-predisposing syndrome. Last evaluated: 2023-04-05. Review status: criteria provided, single submitter. Criteria: Ambry Variant Classification Scheme 2023. Collection method: clinical testing. Allele origin: germline.
Comment: The c.1357_1363delGGGGCAA pathogenic mutation, located in coding exon 10 of the SDHA gene, results from a deletion of 7 nucleotides at nucleotide positions 1357 to 1363, causing a translational frameshift with a predicted alternate stop codon (p.G453Tfs*15). This variant is considered to be rare based on population cohorts in the Genome Aggregation Database (gnomAD). This alteration is expected to result in loss of function by premature protein truncation or nonsense-mediated mRNA decay. As such, this alteration is interpreted as a disease-causing mutation.

NM_004168.4(SDHA):c.1357_1363del (p.Gly453fs)

Gene: SDHA (succinate dehydrogenase complex flavoprotein subunit A; plus strand). Cytogenetic location: 5p15.33.
Variant type: Deletion.
Coding change: c.1357_1363del on transcript NM_004168.4 (MANE Select); coding-DNA positions 1357 to 1363, 7 bases deleted (GGGGCAA; older notation c.1357_1363delGGGGCAA).
Protein change: p.Gly453fs; shifts the reading frame from glycine 453.
Molecular consequence: frameshift variant.
Genome position (GRCh38, 1-based): chr5:236,524-236,530, GGGGCAA deleted. VCF-style (leftmost placement, unchanged base first): chr5-236523-CGGGGCAA-C. GRCh37 (hg19) VCF-style: chr5-236638-CGGGGCAA-C.
Other names: c.1213_1219del, p.Gly405fs (NM_001294332.2); c.1357_1363del, p.Gly453fs (NM_001330758.2); short protein forms G405fs, G453fs.
Identifiers: ClinVar variation 2567083 (VCV002567083.2), dbSNP rs2477376026, ClinGen allele CA2580613491.